The following is an entry in ClinVar:

NM_144631.6(ZNF513):c.377C>T (p.Pro126Leu)

Gene: ZNF513 (zinc finger protein 513; minus strand). Cytogenetic location: 2p23.3.
Variant type: single nucleotide variant.
Coding change: c.377C>T on transcript NM_144631.6 (MANE Select); coding-DNA position 377, C replaced by T.
Protein change: p.Pro126Leu; replaces proline 126 with leucine.
Molecular consequence: missense variant.
Genome position (GRCh38, 1-based): chr2:27,378,889, G>A on the plus strand (C>T on the coding strand, the complement: ZNF513 is on the minus strand). VCF-style: chr2-27378889-G-A. GRCh37 (hg19) VCF-style: chr2-27601756-G-A.
Other names: c.191C>T, p.Pro64Leu (NM_001201459.2); short protein forms P64L, P126L.
Identifiers: ClinVar variation 897541 (VCV000897541.13), dbSNP rs776689084, ClinGen allele CA1578069.
Genomic context (GRCh38, chr2:27,378,889, plus strand): 5'-GGGGGCAGCAGGGGCCCCCCACCCGGCCCTCCTGCCCCACAACACGGCCCCTCACCTGTC[G>A]GCCCCCCACACAGCTGGCAGGCTGGGCCTGGCCTCTCACCCCTGGCCTCCCCTGGACCCC-3'
Protein context (NP_653232.3, residues 116-136): PGPACQLCGG[Pro126Leu]TGEGPCCGAG

ClinVar aggregate classification (germline): Uncertain significance. Review status: criteria provided, multiple submitters, no conflicts (2 of 4 stars). 4 submissions from 4 submitters: Uncertain significance (4). Last evaluated 2025-06-23.

Conditions:
Retinitis pigmentosa (RP). Identifiers: Orphanet 791, MedGen C0035334, MeSH D012174, MONDO:0019200, OMIM 268000. Inheritance: Autosomal dominant, autosomal recessive and X linked inheritance.

Allele frequency attached by ClinVar (database versions not stated): TOPMed 0.00007.
gnomAD v4.1: 41 of 1,602,424 alleles (0.0026%); highest among the groups gnomAD compares: African/African-American, 0.027%; no homozygotes.

Submissions (4):

Labcorp Genetics (formerly Invitae), Labcorp
Classification: Uncertain significance. Last evaluated: 2025-06-23. Review status: criteria provided, single submitter. Criteria: Invitae Variant Classification Sherloc (09022015). Collection method: clinical testing. Allele origin: germline.
Comment: This sequence change replaces proline, which is neutral and non-polar, with leucine, which is neutral and non-polar, at codon 126 of the ZNF513 protein (p.Pro126Leu). This variant is present in population databases (rs776689084, gnomAD 0.01%). This variant has not been reported in the literature in individuals affected with ZNF513-related conditions. ClinVar contains an entry for this variant (Variation ID: 897541). An algorithm developed to predict the effect of missense changes on protein structure and function outputs the following: PolyPhen-2: "Possibly Damaging". The leucine amino acid residue is found in multiple mammalian species, which suggests that this missense change does not adversely affect protein function. In summary, the available evidence is currently insufficient to determine the role of this variant in disease. Therefore, it has been classified as a Variant of Uncertain Significance.

Ambry Genetics
Classification: Uncertain significance. Last evaluated: 2024-06-07. Review status: criteria provided, single submitter. Criteria: Ambry Variant Classification Scheme 2023. Collection method: clinical testing. Allele origin: germline.

Illumina Laboratory Services, Illumina
Classification: Uncertain significance for Retinitis pigmentosa. Last evaluated: 2018-01-12. Review status: criteria provided, single submitter. Criteria: ICSL Variant Classification Criteria 13 December 2019. Collection method: clinical testing. Allele origin: germline.

Breakthrough Genomics
Classification: Uncertain significance. Review status: criteria provided, single submitter. Criteria: ACMG Guidelines, 2015. Collection method: not provided. Allele origin: germline. Inheritance: Autosomal recessive inheritance. Affected: yes.